The following is an entry in ClinVar:

NC_000023.10:g.(?_153586547)_(153609557_?)dup

Genes: EMD (emerin; plus strand), FLNA (filamin A; minus strand). Cytogenetic location: Xq28.
Variant type: Duplication.
Identifiers: ClinVar variation 2424173 (VCV002424173.4).

ClinVar aggregate classification (germline): Uncertain significance (1 of 4 stars; one submission).

Conditions:
Melnick-Needles syndrome (MNS). Also called: MELNICK-NEEDLES OSTEODYSPLASTY; OSTEODYSPLASTY OF MELNICK AND NEEDLES; Melnick-Needles Syndrome (FLNA-MNS). Identifiers: Orphanet 2484, MedGen C0025237, MONDO:0010650, OMIM 309350.
Frontometaphyseal dysplasia (FMD1). Identifiers: Orphanet 1826, MedGen C0265293, MONDO:0015942.
Oto-palato-digital syndrome, type II (OPD2). Also called: FACIOPALATOOSSEOUS SYNDROME; OPD II SYNDROME; Otopalatodigital Syndrome Type 2 (FLNA-OPD2); Otopalatodigital Syndrome, Type II. Identifiers: Orphanet 669, Orphanet 90652, MedGen C1844696, MONDO:0010571, OMIM 304120.
Heterotopia, periventricular, X-linked dominant (PVNH1). Also called: PERIVENTRICULAR NODULAR HETEROTOPIA 1; X-linked periventricular heterotopia; PERIVENTRICULAR NODULAR HETEROTOPIA 4; HETEROTOPIA, PERIVENTRICULAR, 1. Identifiers: Orphanet 2149, Orphanet 82004, MedGen C1848213, MONDO:0010233, OMIM 300049.

Submission:

Labcorp Genetics (formerly Invitae), Labcorp
Classification: Uncertain significance for Oto-palato-digital syndrome, type II; Heterotopia, periventricular, X-linked dominant; Frontometaphyseal dysplasia; Melnick-Needles syndrome. Last evaluated: 2022-01-23. Review status: criteria provided, single submitter. Criteria: Invitae Variant Classification Sherloc (09022015). Collection method: clinical testing. Allele origin: germline.
Comment: In summary, the available evidence is currently insufficient to determine the role of this variant in disease. Therefore, it has been classified as a Variant of Uncertain Significance. Isolated whole-gene copy number gains of FLNA have not been reported in the literature. However, larger copy number events that include this gene have been reported (PMID: 20871226). This variant results in a copy number gain of the genomic region encompassing exon(s) 1-28 of the FLNA gene. This region includes the initiator codon of the gene. This copy number gain extends beyond the assayed region for this gene and therefore may encompass additional genes. As the precise location of this event is unknown, it may be in tandem or it may be located elsewhere in the genome.

Literature cited by the submitters: PubMed 20871226.